The following is an entry in ClinVar:

NM_001042492.3(NF1):c.4973_4974del (p.Phe1658fs)

Gene: NF1 (neurofibromin 1; plus strand). Cytogenetic location: 17q11.2.
Variant type: Deletion.
Coding change: c.4973_4974del on transcript NM_001042492.3 (MANE Select); coding-DNA positions 4973 to 4974, 2 bases deleted (TT; older notation c.4973_4974delTT).
Protein change: p.Phe1658fs; shifts the reading frame from phenylalanine 1658.
Molecular consequence: frameshift variant.
Genome position (GRCh38, 1-based): chr17:31,325,957-31,325,958, TT deleted; deleting any 2 consecutive bases within chr17:31,325,956-31,325,958 gives the same sequence; the c. name uses the placement nearest the transcript's 3' end. VCF-style (leftmost placement, unchanged base first): chr17-31325955-CTT-C. GRCh37 (hg19) VCF-style: chr17-29652973-CTT-C.
Other names: c.4910_4911delTT (NM_000267.3); c.4910_4911delTT, p.Phe1637Serfs (NM_000267.4); short protein forms F1637fs, F1658fs.
Identifiers: ClinVar variation 1319470 (VCV001319470.12), dbSNP rs2069329470, ClinGen allele CA658760975.
Genomic context (GRCh38, chr17:31,325,955, plus strand): 5'-GCCATATGAAATTGTAGTGGACCTTACCCATACCGGGCCTAGCAATCGCTTTAAAACAGA[CTT>C]TCTCTCTAAGTGGTTTGTTGTTTTTCCTGGCTTTGCTTACGACAACGTCTCCGCAGTCTA-3'

ClinVar aggregate classification (germline): Pathogenic. Review status: criteria provided, multiple submitters, no conflicts (2 of 4 stars). 5 submissions from 5 submitters: Pathogenic (5). Last evaluated 2025-04-11.

Conditions:
Neurofibromatosis, type 1 (NF1). Also called: NEUROFIBROMATOSIS, TYPE I, SOMATIC; Peripheral type neurofibromatosis; Neurofibromatosis, type I; VON RECKLINGHAUSEN DISEASE. Identifiers: Orphanet 636, MedGen C0027831, MONDO:0018975, OMIM 162200. Disease mechanism: loss of function.
Hereditary cancer-predisposing syndrome. Also called: Neoplastic Syndromes, Hereditary; Hereditary Cancer Syndrome; Tumor predisposition; Hereditary neoplastic syndrome. Identifiers: Orphanet 140162, MedGen C0027672, MeSH D009386, MONDO:0015356.
Cardiovascular phenotype. Identifiers: MedGen CN230736.

Submissions (5):

Labcorp Genetics (formerly Invitae), Labcorp
Classification: Pathogenic for Neurofibromatosis, type 1. Last evaluated: 2025-04-11. Review status: criteria provided, single submitter. Criteria: Invitae Variant Classification Sherloc (09022015). Collection method: clinical testing. Allele origin: germline.
Comment: This sequence change creates a premature translational stop signal (p.Phe1637Serfs*3) in the NF1 gene. It is expected to result in an absent or disrupted protein product. Loss-of-function variants in NF1 are known to be pathogenic (PMID: 10712197, 23913538). This variant is not present in population databases (gnomAD no frequency). This premature translational stop signal has been observed in individual(s) with clinical features of neurofibromatosis type I (PMID: 18484666, 28891274). ClinVar contains an entry for this variant (Variation ID: 1319470). For these reasons, this variant has been classified as Pathogenic.

Ambry Genetics
Classification: Pathogenic for Cardiovascular phenotype; Hereditary cancer-predisposing syndrome. Last evaluated: 2025-02-27. Review status: criteria provided, single submitter. Criteria: Ambry Variant Classification Scheme 2023. Collection method: clinical testing. Allele origin: germline.
Comment: The c.4910_4911delTT pathogenic mutation, located in coding exon 36 of the NF1 gene, results from a deletion of two nucleotides at nucleotide positions 4910 to 4911, causing a translational frameshift with a predicted alternate stop codon (p.F1637Sfs*3). This variant was reported in multiple individuals with features consistent with neurofibromatosis type 1 (Upadhyaya M et al. Hum Mutat. 2008 Aug;29:E103-11; Pasmant E et al. Eur J Hum Genet. 2015 May;23:596-601; Sabbagh A et al. Hum Mutat. 2013 Nov;34:1510-8; Wang X et al. Genes Chromosomes Cancer. 2018 Jan;57:19-27; Ambry internal data). This variant is considered to be rare based on population cohorts in the Genome Aggregation Database (gnomAD). In addition to the clinical data presented in the literature, this alteration is expected to result in loss of function by premature protein truncation or nonsense-mediated mRNA decay. As such, this alteration is interpreted as a disease-causing mutation.

Genomic Medicine Center of Excellence, King Faisal Specialist Hospital and Research Centre
Classification: Pathogenic for Neurofibromatosis, type 1. Last evaluated: 2024-09-02. Review status: criteria provided, single submitter. Criteria: ACMG Guidelines, 2015. Collection method: clinical testing. Allele origin: germline.

Genome-Nilou Lab
Classification: Pathogenic for Neurofibromatosis, type 1. Last evaluated: 2022-03-15. Review status: criteria provided, single submitter. Criteria: ACMG Guidelines, 2015. Collection method: clinical testing. Allele origin: germline. Affected: no.

Institute for Clinical Genetics, University Hospital TU Dresden, University Hospital TU Dresden
Classification: Pathogenic. Last evaluated: 2021-11-03. Review status: criteria provided, single submitter. Criteria: ACMG Guidelines, 2015. Collection method: clinical testing. Allele origin: germline.

Literature cited by the submitters: PubMed 10712197 (cited by Labcorp Genetics (formerly Invitae), Labcorp); PubMed 23913538 (cited by Labcorp Genetics (formerly Invitae), Labcorp and Ambry Genetics); PubMed 18484666 (cited by Labcorp Genetics (formerly Invitae), Labcorp and Ambry Genetics); PubMed 28891274 (cited by Labcorp Genetics (formerly Invitae), Labcorp and Ambry Genetics); PubMed 25074460 (cited by Ambry Genetics).